The following is an entry in ClinVar:

ClinVar aggregate classification (germline): Pathogenic (1 of 4 stars; one submission).

Conditions:
Cohen syndrome (COH1). Also called: Cutis verticis gyrata, retinitis pigmentosa, and sensorineural deafness; PEPPER SYNDROME. Identifiers: Orphanet 193, MedGen C0265223, MONDO:0008999, OMIM 216550.

Submission:

Labcorp Genetics (formerly Invitae), Labcorp
Classification: Pathogenic for Cohen syndrome. Last evaluated: 2021-12-27. Review status: criteria provided, single submitter. Criteria: Invitae Variant Classification Sherloc (09022015). Collection method: clinical testing. Allele origin: germline.
Comment: This variant has not been reported in the literature in individuals affected with VPS13B-related conditions. For these reasons, this variant has been classified as Pathogenic. This variant is not present in population databases (gnomAD no frequency). This sequence change creates a premature translational stop signal (p.Glu3867Serfs*18) in the VPS13B gene. It is expected to result in an absent or disrupted protein product. Loss-of-function variants in VPS13B are known to be pathogenic (PMID: 15141358, 16648375, 20461111).

Literature cited by the submitters: PubMed 15141358; PubMed 16648375; PubMed 20461111.

NM_152564.5(VPS13B):c.11524_11525del (p.Glu3842fs)

Gene: VPS13B (vacuolar protein sorting 13 homolog B; plus strand). Cytogenetic location: 8q22.2.
Variant type: Deletion.
Coding change: c.11524_11525del on transcript NM_152564.5 (MANE Select); coding-DNA positions 11524 to 11525, 2 bases deleted (GA; older notation c.11524_11525delGA).
Protein change: p.Glu3842fs; shifts the reading frame from glutamic acid 3842.
Molecular consequence: frameshift variant.
Genome position (GRCh38, 1-based): chr8:99,871,476-99,871,477, GA deleted; deleting any 2 consecutive bases within chr8:99,871,475-99,871,477 gives the same sequence; the c. name uses the placement nearest the transcript's 3' end. VCF-style (leftmost placement, unchanged base first): chr8-99871474-CAG-C. GRCh37 (hg19) VCF-style: chr8-100883702-CAG-C.
Other names: c.11599_11600del, p.Glu3867fs (NM_017890.5); short protein forms E3842fs, E3867fs.
Identifiers: ClinVar variation 2062710 (VCV002062710.4), dbSNP rs2492376150, ClinGen allele CA2580079266.